The following is an entry in ClinVar:

NM_001330260.2(SCN8A):c.4328A>G (p.Tyr1443Cys)

Gene: SCN8A (sodium voltage-gated channel alpha subunit 8; plus strand). Cytogenetic location: 12q13.13.
Variant type: single nucleotide variant.
Coding change: c.4328A>G on transcript NM_001330260.2 (MANE Select); coding-DNA position 4328, A replaced by G.
Protein change: p.Tyr1443Cys; replaces tyrosine 1443 with cysteine.
Molecular consequence: missense variant.
Genome position (GRCh38, 1-based): chr12:51,789,327, A>G. VCF-style: chr12-51789327-A-G. GRCh37 (hg19) VCF-style: chr12-52183111-A-G.
Other names: c.4205A>G, p.Tyr1402Cys (NM_001177984.3, NM_001369788.1); c.4328A>G, p.Tyr1443Cys (NM_014191.4); short protein forms Y1402C, Y1443C.
Identifiers: ClinVar variation 1048639 (VCV001048639.3), dbSNP rs2138909536, ClinGen allele CA384908229.

ClinVar aggregate classification (germline): Conflicting classifications of pathogenicity. Review status: criteria provided, conflicting classifications (1 of 4 stars). 2 submissions from 2 submitters: Likely pathogenic (1); Uncertain significance (1). Last evaluated 2024-10-04.

Conditions:
Developmental and epileptic encephalopathy, 13 (DEE13). Also called: Early infantile epileptic encephalopathy 13; Developmental and Epileptic Encephalopathy (SCN8A-DEE); SCN8A-Related Epilepsy. Identifiers: Orphanet 442835, MedGen C3281191, MONDO:0013801, OMIM 614558.
Early-infantile DEE. Also called: Early infantile epileptic encephalopathy with suppression bursts; Early infantile epileptic encephalopathy; Ohtahara syndrome. Identifiers: Orphanet 1934, MedGen C0393706, MONDO:0800491.

Submissions (2):

Labcorp Genetics (formerly Invitae), Labcorp
Classification: Uncertain significance for Early-infantile DEE. Last evaluated: 2024-10-04. Review status: criteria provided, single submitter. Criteria: Invitae Variant Classification Sherloc (09022015). Collection method: clinical testing. Allele origin: germline.
Comment: This sequence change replaces tyrosine, which is neutral and polar, with cysteine, which is neutral and slightly polar, at codon 1443 of the SCN8A protein (p.Tyr1443Cys). This variant is not present in population databases (gnomAD no frequency). This missense change has been observed in individual(s) with clinical features of SCN8A-related conditions (PMID: 33057194, 35982159). ClinVar contains an entry for this variant (Variation ID: 1048639). Invitae Evidence Modeling of protein sequence and biophysical properties (such as structural, functional, and spatial information, amino acid conservation, physicochemical variation, residue mobility, and thermodynamic stability) indicates that this missense variant is expected to disrupt SCN8A protein function with a positive predictive value of 95%. In summary, the available evidence is currently insufficient to determine the role of this variant in disease. Therefore, it has been classified as a Variant of Uncertain Significance.

MVZ Martinsried, Medicover Genetics
Classification: Likely pathogenic for Developmental and epileptic encephalopathy, 13. Last evaluated: 2021-03-31. Review status: criteria provided, single submitter. Criteria: ACGS Guidelines, 2020. Collection method: clinical testing. Allele origin: de novo. Affected: yes.

Literature cited by the submitters: PubMed 33057194 (cited by Labcorp Genetics (formerly Invitae), Labcorp); PubMed 35982159 (cited by Labcorp Genetics (formerly Invitae), Labcorp).